The following is an entry in ClinVar:

ClinVar aggregate classification (germline): Uncertain significance (1 of 4 stars; one submission).

Conditions:
Hereditary cancer-predisposing syndrome. Also called: Tumor predisposition; Neoplastic Syndromes, Hereditary; Hereditary neoplastic syndrome; Hereditary Cancer Syndrome. Identifiers: Orphanet 140162, MedGen C0027672, MeSH D009386, MONDO:0015356.

Submission:

Ambry Genetics
Classification: Uncertain significance for Hereditary cancer-predisposing syndrome. Last evaluated: 2025-08-27. Review status: criteria provided, single submitter. Criteria: Ambry Variant Classification Scheme 2023. Collection method: clinical testing. Allele origin: germline.
Comment: The p.V469G variant (also known as c.1406T>G), located in coding exon 14 of the MUTYH gene, results from a T to G substitution at nucleotide position 1406. The valine at codon 469 is replaced by glycine, an amino acid with dissimilar properties. This amino acid position is conserved. In addition, this alteration is predicted to be tolerated by in silico analysis. Based on the available evidence, the clinical significance of this variant remains unclear.

NM_001048174.2(MUTYH):c.1322T>G (p.Val441Gly)

Gene: MUTYH (mutY DNA glycosylase; minus strand). Cytogenetic location: 1p34.1.
Variant type: single nucleotide variant.
Coding change: c.1322T>G on transcript NM_001048174.2 (MANE Select); coding-DNA position 1322, T replaced by G.
Protein change: p.Val441Gly; replaces valine 441 with glycine.
Molecular consequence: missense variant. On other transcripts: non-coding transcript variant (7).
Genome position (GRCh38, 1-based): chr1:45,331,252, A>C on the plus strand (T>G on the coding strand, the complement: MUTYH is on the minus strand). VCF-style: chr1-45331252-A-C. GRCh37 (hg19) VCF-style: chr1-45796924-A-C.
Other names: c.1322T>G, p.Val441Gly (NM_001048171.2, NM_001048173.2, NM_001293195.2 and 6 more transcripts); c.1325T>G, p.Val442Gly (NM_001048172.2, NM_001407086.1, NM_001407071.1 and 1 more transcripts); c.1406T>G, p.Val469Gly (NM_001128425.2); c.1367T>G, p.Val456Gly (NM_001293190.2); c.1355T>G, p.Val452Gly (NM_001293191.2, NM_001407069.1, NM_001407077.1); c.1046T>G, p.Val349Gly (NM_001293192.2, NM_001293196.2, NM_001407091.1); c.1283T>G, p.Val428Gly (NM_001407079.1); c.1280T>G, p.Val427Gly (NM_001407080.1); and 5 more; short protein forms V413G, V456G, V349G, V428G, V442G, V452G, V469G, V466G.
Identifiers: ClinVar variation 4113223 (VCV004113223.1).